The following is an entry in ClinVar:

ClinVar aggregate classification (germline): Uncertain significance (1 of 4 stars; one submission).

gnomAD v4.1: 1 of 1,613,960 alleles (0.000062%); no homozygotes.

Submission:

Ambry Genetics
Classification: Uncertain significance. Last evaluated: 2022-05-16. Review status: criteria provided, single submitter. Criteria: Ambry Variant Classification Scheme 2023. Collection method: clinical testing. Allele origin: germline.
Comment: The p.A2363V variant (also known as c.7088C>T), located in coding exon 25 of the POLQ gene, results from a C to T substitution at nucleotide position 7088. The alanine at codon 2363 is replaced by valine, an amino acid with similar properties. This amino acid position is conserved. In addition, this alteration is predicted to be deleterious by in silico analysis. Since supporting evidence is limited at this time, the clinical significance of this alteration remains unclear.

NM_199420.4(POLQ):c.7088C>T (p.Ala2363Val)

Gene: POLQ (DNA polymerase theta; minus strand). Cytogenetic location: 3q13.33.
Variant type: single nucleotide variant.
Coding change: c.7088C>T on transcript NM_199420.4 (MANE Select); coding-DNA position 7088, C replaced by T.
Protein change: p.Ala2363Val; replaces alanine 2363 with valine.
Molecular consequence: missense variant.
Genome position (GRCh38, 1-based): chr3:121,460,114, G>A on the plus strand (C>T on the coding strand, the complement: POLQ is on the minus strand). VCF-style: chr3-121460114-G-A. GRCh37 (hg19) VCF-style: chr3-121178961-G-A.
Other names: short protein forms A2363V.
Identifiers: ClinVar variation 1757063 (VCV001757063.2), dbSNP rs1283040913, ClinGen allele CA354107009.